The following is an entry in ClinVar:

ClinVar aggregate classification (germline): Uncertain significance (1 of 4 stars; one submission).

Conditions:
Malignant hyperthermia, susceptibility to, 5 (MHS5). Also called: CACNA1S-Related Malignant Hyperthermia Susceptibility. Identifiers: Orphanet 423, MedGen C1866077, MONDO:0011163, OMIM 601887.

Submission:

All of Us Research Program, National Institutes of Health
Classification: Uncertain significance for Malignant hyperthermia, susceptibility to, 5. Last evaluated: 2024-01-11. Review status: criteria provided, single submitter. Criteria: ACMG Guidelines, 2015. Collection method: clinical testing. Allele origin: germline. Inheritance: Autosomal dominant inheritance. Observed: 1 variant allele, 1 heterozygote.
Comment: This study involves interpretation of variants in research participants for the purpose of population health screening. Participant phenotype was not available at the time of variant classification. Additional details can be found in publication PMID: 35346344, PMCID: PMC8962531

NM_000069.3(CACNA1S):c.1361A>C (p.His454Pro)

Gene: CACNA1S (calcium voltage-gated channel subunit alpha1 S; minus strand). Cytogenetic location: 1q32.1.
Variant type: single nucleotide variant.
Coding change: c.1361A>C on transcript NM_000069.3 (MANE Select); coding-DNA position 1361, A replaced by C.
Protein change: p.His454Pro; replaces histidine 454 with proline.
Molecular consequence: missense variant.
Genome position (GRCh38, 1-based): chr1:201,083,194, T>G on the plus strand (A>C on the coding strand, the complement: CACNA1S is on the minus strand). VCF-style: chr1-201083194-T-G. GRCh37 (hg19) VCF-style: chr1-201052322-T-G.
Other names: short protein forms H454P.
Identifiers: ClinVar variation 3075366 (VCV003075366.1), dbSNP rs2102151517, ClinGen allele CA344125250.